The following is an entry in ClinVar:

ClinVar aggregate classification (germline): Likely benign (1 of 4 stars; one submission).

Allele frequency attached by ClinVar (database versions not stated): 1000 Genomes Project 30x 0.00062; 1000 Genomes Project 0.00080; TOPMed 0.00340; gnomAD exomes 0.00345 and 0.00576; ESP Exome Variant Server 0.00354; gnomAD 0.00356 and 0.00379; ExAC 0.00615.
gnomAD v4.1: 8,741 of 1,601,296 alleles (0.55%); highest among the groups gnomAD compares: Non-Finnish European, 0.7%; 31 homozygotes.

Submission:

CeGaT Center for Human Genetics Tuebingen
Classification: Likely benign. Last evaluated: 2026-09-01. Review status: criteria provided, single submitter. Criteria: CeGaT Center For Human Genetics Tuebingen Variant Classification Criteria Version 2. Collection method: clinical testing. Allele origin: germline. Affected: yes. Observed: 28 variant alleles.
Comment: DST: BP4, BP7, BS2

NM_001374736.1(DST):c.10443G>A (p.Thr3481=)

Gene: DST (dystonin; minus strand). Cytogenetic location: 6p12.1.
Variant type: single nucleotide variant.
Coding change: c.10443G>A on transcript NM_001374736.1 (MANE Select); coding-DNA position 10443, G replaced by A.
Protein change: p.Thr3481=; no amino-acid change (threonine 3481 retained).
Molecular consequence: synonymous variant. On other transcripts: intron variant (6).
Genome position (GRCh38, 1-based): chr6:56,604,185, C>T on the plus strand (G>A on the coding strand, the complement: DST is on the minus strand). VCF-style: chr6-56604185-C-T. GRCh37 (hg19) VCF-style: chr6-56468983-C-T.
Other names: c.10443G>A, p.Thr3481= (NM_001374722.1); c.9810G>A, p.Thr3270= (NM_001374729.1); c.10470G>A, p.Thr3490= (NM_001374734.1); c.5185-3964G>A (NM_001144769.5); c.4771-3964G>A (NM_001144770.2); c.4651-3964G>A (NM_001374730.1, NM_001386100.1, NM_183380.4); c.3673-3964G>A (NM_015548.5).
Identifiers: ClinVar variation 1701506 (VCV001701506.31), dbSNP rs45498096, ClinGen allele CA3868879.